The following is an entry in ClinVar:

NM_198525.3(KIF7):c.2287C>T (p.Gln763Ter)

Gene: KIF7 (kinesin family member 7; minus strand). Cytogenetic location: 15q26.1.
Variant type: single nucleotide variant.
Coding change: c.2287C>T on transcript NM_198525.3 (MANE Select); coding-DNA position 2287, C replaced by T.
Protein change: p.Gln763Ter; replaces glutamine 763 with a stop codon.
Molecular consequence: nonsense.
Genome position (GRCh38, 1-based): chr15:89,642,310, G>A on the plus strand (C>T on the coding strand, the complement: KIF7 is on the minus strand). VCF-style: chr15-89642310-G-A. GRCh37 (hg19) VCF-style: chr15-90185541-G-A.
Other names: short protein forms Q763*.
Identifiers: ClinVar variation 2110237 (VCV002110237.4), dbSNP rs1324022945, ClinGen allele CA393761783.

ClinVar aggregate classification (germline): Pathogenic (1 of 4 stars; one submission).

Conditions:
Acrocallosal syndrome (ACLS). Also called: HALLUX DUPLICATION, POSTAXIAL POLYDACTYLY, AND ABSENCE OF CORPUS CALLOSUM; Schinzel syndrome 1; Absence of corpus callosum with unusual facial appearance, mental deficiency, duplication of the halluces and polydactyly. Identifiers: Orphanet 36, MedGen C0796147, MONDO:0008708, OMIM 200990.

Allele frequency attached by ClinVar (database versions not stated): gnomAD exomes below 0.00001.
gnomAD v4.1: 1 of 1,610,906 alleles (0.000062%); highest among the groups gnomAD compares: Non-Finnish European, 0.000085%; no homozygotes.

Submission:

Labcorp Genetics (formerly Invitae), Labcorp
Classification: Pathogenic for Acrocallosal syndrome. Last evaluated: 2024-10-24. Review status: criteria provided, single submitter. Criteria: Invitae Variant Classification Sherloc (09022015). Collection method: clinical testing. Allele origin: germline.
Comment: This sequence change creates a premature translational stop signal (p.Gln763*) in the KIF7 gene. It is expected to result in an absent or disrupted protein product. Loss-of-function variants in KIF7 are known to be pathogenic (PMID: 19666503, 21552264, 21633164, 26648833). This variant is present in population databases (no rsID available, gnomAD 0.0009%). This variant has not been reported in the literature in individuals affected with KIF7-related conditions. ClinVar contains an entry for this variant (Variation ID: 2110237). For these reasons, this variant has been classified as Pathogenic.

Literature cited by the submitters: PubMed 19666503; PubMed 21552264; PubMed 21633164; PubMed 26648833.